The following is an entry in ClinVar:

NM_024301.5(FKRP):c.122G>T (p.Arg41Leu)

Gene: FKRP (fukutin related protein; plus strand). Cytogenetic location: 19q13.32.
Variant type: single nucleotide variant.
Coding change: c.122G>T on transcript NM_024301.5 (MANE Select); coding-DNA position 122, G replaced by T.
Protein change: p.Arg41Leu; replaces arginine 41 with leucine.
Molecular consequence: missense variant.
Genome position (GRCh38, 1-based): chr19:46,755,572, G>T. VCF-style: chr19-46755572-G-T. GRCh37 (hg19) VCF-style: chr19-47258829-G-T.
Other names: c.122G>T, p.Arg41Leu (NM_001039885.3); short protein forms R41L.
Identifiers: ClinVar variation 459228 (VCV000459228.10), dbSNP rs201497063, ClinGen allele CA9532114.

ClinVar aggregate classification (germline): Uncertain significance. Review status: criteria provided, multiple submitters, no conflicts (2 of 4 stars). 4 submissions from 4 submitters: Uncertain significance (3). 1 of the submissions does not count toward it. Last evaluated 2024-02-16.

Conditions:
Cardiovascular phenotype. Identifiers: MedGen CN230736.
Walker-Warburg congenital muscular dystrophy. Also called: Muscular dystrophy-dystroglycanopathy, type A; Walker-Warburg syndrome. Identifiers: Orphanet 899, MedGen C0265221, MONDO:0000171.
Muscular dystrophy-dystroglycanopathy type B5 (MDDGB5). Also called: MUSCULAR DYSTROPHY-DYSTROGLYCANOPATHY (CONGENITAL WITH OR WITHOUT IMPAIRED INTELLECTUAL DEVELOPMENT), TYPE B, 5; MUSCULAR DYSTROPHY, CONGENITAL, 1C; MUSCULAR DYSTROPHY, CONGENITAL, FKRP-RELATED. Identifiers: MedGen C1847759, MONDO:0011688, OMIM 606612.
Autosomal recessive limb-girdle muscular dystrophy type 2I. Also called: MUSCULAR DYSTROPHY-DYSTROGLYCANOPATHY (LIMB-GIRDLE), TYPE C, 5; MUSCULAR DYSTROPHY, LIMB-GIRDLE, TYPE 2I; MUSCULAR DYSTROPHY-DYSTROGLYCANOPATHY, LIMB-GIRDLE, FRKP-RELATED. Identifiers: Orphanet 34515, MedGen C1846672, MONDO:0011787, OMIM 607155.
Muscular dystrophy-dystroglycanopathy (congenital with brain and eye anomalies), type A1 (MDDGA1). Also called: COD-MD SYNDROME; Muscular dystrophy-dystroglycanopathy (congenital with brain and eye anomalies), type A, 1; WALKER-WARBURG SYNDROME OR MUSCLE-EYE-BRAIN DISEASE, POMT1-RELATED; Hydrocephalus, agyria and retinal dysplasia; Hard +/- E syndrome; Warburg syndrome. Identifiers: Orphanet 588, Orphanet 899, MedGen C4284790, MONDO:0009364, OMIM 236670.
Muscular dystrophy-dystroglycanopathy (congenital with brain and eye anomalies), type A5. Also called: MUSCULAR DYSTROPHY-DYSTROGLYCANOPATHY (CONGENITAL WITH BRAIN AND EYE ANOMALIES), TYPE A, 5; WALKER-WARBURG SYNDROME OR MUSCLE-EYE-BRAIN DISEASE, FKRP-RELATED. Identifiers: Orphanet 588, Orphanet 899, MedGen C3150413, MONDO:0013157, OMIM 613153.

Allele frequency attached by ClinVar (database versions not stated): gnomAD 0.00001; TOPMed 0.00001; ExAC 0.00014; 1000 Genomes Project 30x 0.00016; 1000 Genomes Project 0.00020.
gnomAD v4.1: 25 of 1,606,434 alleles (0.0016%); highest among the groups gnomAD compares: East Asian, 0.054%; no homozygotes.

Submissions (4):

Ambry Genetics
Classification: Uncertain significance for Cardiovascular phenotype. Last evaluated: 2024-02-16. Review status: criteria provided, single submitter. Criteria: Ambry Variant Classification Scheme 2023. Collection method: clinical testing. Allele origin: germline.
Comment: The p.R41L variant (also known as c.122G>T), located in coding exon 1 of the FKRP gene, results from a G to T substitution at nucleotide position 122. The arginine at codon 41 is replaced by leucine, an amino acid with dissimilar properties. This amino acid position is conserved. In addition, this alteration is predicted to be tolerated by in silico analysis. Based on the available evidence, the clinical significance of this alteration remains unclear.

Labcorp Genetics (formerly Invitae), Labcorp
Classification: Uncertain significance for Walker-Warburg congenital muscular dystrophy. Last evaluated: 2022-09-01. Review status: criteria provided, single submitter. Criteria: Invitae Variant Classification Sherloc (09022015). Collection method: clinical testing. Allele origin: germline.
Comment: This sequence change replaces arginine, which is basic and polar, with leucine, which is neutral and non-polar, at codon 41 of the FKRP protein (p.Arg41Leu). This variant is present in population databases (rs201497063, gnomAD 0.07%). This variant has not been reported in the literature in individuals affected with FKRP-related conditions. ClinVar contains an entry for this variant (Variation ID: 459228). Algorithms developed to predict the effect of missense changes on protein structure and function (SIFT, PolyPhen-2, Align-GVGD) all suggest that this variant is likely to be tolerated. In summary, the available evidence is currently insufficient to determine the role of this variant in disease. Therefore, it has been classified as a Variant of Uncertain Significance.

Fulgent Genetics
Classification: Uncertain significance for Muscular dystrophy-dystroglycanopathy (congenital with brain and eye anomalies), type A1; Muscular dystrophy-dystroglycanopathy type B5; Autosomal recessive limb-girdle muscular dystrophy type 2I; Muscular dystrophy-dystroglycanopathy (congenital with brain and eye anomalies), type A5. Last evaluated: 2021-10-13. Review status: criteria provided, single submitter. Criteria: ACMG Guidelines, 2015. Collection method: clinical testing. Allele origin: unknown.

Natera, Inc.
Classification: Uncertain significance for Limb-girdle muscular dystrophy type 2I. Last evaluated: 2019-10-28. Review status: no assertion criteria provided. Collection method: clinical testing. Allele origin: germline. Not counted in ClinVar's aggregate classification.